The following is an entry in ClinVar:

NM_015662.3(IFT172):c.3591C>T (p.Asp1197=)

Genes: IFT172 (intraflagellar transport 172; minus strand), LOC126806173 (BRD4-independent group 4 enhancer GRCh37_chr2:27676057-27677256; plus strand). Cytogenetic location: 2p23.3.
Variant type: single nucleotide variant.
Coding change: c.3591C>T on transcript NM_015662.3 (MANE Select); coding-DNA position 3591, C replaced by T.
Protein change: p.Asp1197=; no amino-acid change (aspartic acid 1197 retained).
Molecular consequence: synonymous variant.
Genome position (GRCh38, 1-based): chr2:27,454,102, G>A on the plus strand (C>T on the coding strand, the complement: IFT172 is on the minus strand). VCF-style: chr2-27454102-G-A. GRCh37 (hg19) VCF-style: chr2-27676969-G-A.
Other names: c.3525C>T, p.Asp1175= (NM_001410739.1); c.3591C>T (NM_015662.2).
Identifiers: ClinVar variation 3764058 (VCV003764058.3).

ClinVar aggregate classification (germline): Likely benign. Review status: criteria provided, multiple submitters, no conflicts (2 of 4 stars). 2 submissions from 2 submitters: Likely benign (2). Last evaluated 2025-10-15.

Conditions:
IFT172-related disorder. Also called: IFT172-related condition; IFT172-related disorders.
Short-rib thoracic dysplasia 10 with or without polydactyly (SRTD10). Identifiers: Orphanet 474, MedGen C3810175, MONDO:0014284, OMIM 615630.
Retinitis pigmentosa 71 (RP71). Identifiers: Orphanet 791, MedGen C4225342, MONDO:0014618, OMIM 616394.

Submissions (2):

PreventionGenetics, part of Exact Sciences
Classification: Likely benign for IFT172-related condition. Last evaluated: 2025-10-15. Review status: criteria provided, single submitter. Criteria: ACMG Guidelines, 2015. Collection method: clinical testing. Allele origin: germline.
Comment: This variant is classified as likely benign based on ACMG/AMP sequence variant interpretation guidelines (Richards et al. 2015 PMID: 25741868, with internal and published modifications).

Labcorp Genetics (formerly Invitae), Labcorp
Classification: Likely benign for Retinitis pigmentosa 71; Short-rib thoracic dysplasia 10 with or without polydactyly. Last evaluated: 2024-10-06. Review status: criteria provided, single submitter. Criteria: Invitae Variant Classification Sherloc (09022015). Collection method: clinical testing. Allele origin: germline.